The following is an entry in ClinVar:

NM_014159.7(SETD2):c.6172A>G (p.Asn2058Asp)

Gene: SETD2 (SET domain containing 2, histone lysine methyltransferase; minus strand). Cytogenetic location: 3p21.31.
Variant type: single nucleotide variant.
Coding change: c.6172A>G on transcript NM_014159.7 (MANE Select); coding-DNA position 6172, A replaced by G.
Protein change: p.Asn2058Asp; replaces asparagine 2058 with aspartic acid.
Molecular consequence: missense variant. On other transcripts: non-coding transcript variant (1).
Genome position (GRCh38, 1-based): chr3:47,062,284, T>C on the plus strand (A>G on the coding strand, the complement: SETD2 is on the minus strand). VCF-style: chr3-47062284-T-C. GRCh37 (hg19) VCF-style: chr3-47103774-T-C.
Other names: c.6040A>G, p.Asn2014Asp (NM_001349370.3); short protein forms N2058D, N2014D.
Identifiers: ClinVar variation 4525977 (VCV004525977.1).

ClinVar aggregate classification (germline): Uncertain significance (1 of 4 stars; one submission).

Submission:

Women's Health and Genetics/Laboratory Corporation of America, LabCorp
Classification: Uncertain significance. Last evaluated: 2025-07-11. Review status: criteria provided, single submitter. Criteria: LabCorp Variant Classification Summary - May 2015. Collection method: clinical testing. Allele origin: germline.
Comment: Variant summary: SETD2 c.6172A>G (p.Asn2058Asp) results in a conservative amino acid change in the encoded protein sequence. Algorithms developed to predict the effect of missense changes on protein structure and function all suggest that this variant is likely to be tolerated. The variant was absent in 251416 control chromosomes (gnomAD). The available data on variant occurrences in the general population are insufficient to allow any conclusion about variant significance. To our knowledge, no occurrence of c.6172A>G in individuals affected with Luscan-Lumish Syndrome and no experimental evidence demonstrating its impact on protein function have been reported. No submitters have cited clinical-significance assessments for this variant to ClinVar. Based on the evidence outlined above, the variant was classified as uncertain significance.